The following is an entry in ClinVar:

ClinVar aggregate classification (germline): Uncertain significance. Review status: criteria provided, multiple submitters, no conflicts (2 of 4 stars). 2 submissions from 2 submitters: Uncertain significance (2). Last evaluated 2024-09-17.

Conditions:
Hereditary cancer-predisposing syndrome. Also called: Tumor predisposition; Hereditary Cancer Syndrome; Hereditary neoplastic syndrome; Neoplastic Syndromes, Hereditary. Identifiers: Orphanet 140162, MedGen C0027672, MeSH D009386, MONDO:0015356.

Submissions (2):

Blueprint Genetics
Classification: Uncertain significance. Last evaluated: 2024-09-17. Review status: criteria provided, single submitter. Criteria: ACMG Guidelines, 2015. Collection method: clinical testing. Allele origin: germline.

Ambry Genetics
Classification: Uncertain significance for Hereditary cancer-predisposing syndrome. Last evaluated: 2023-10-15. Review status: criteria provided, single submitter. Criteria: Ambry Variant Classification Scheme 2023. Collection method: clinical testing. Allele origin: germline.
Comment: The p.N51H variant (also known as c.151A>C), located in coding exon 1 of the MEN1 gene, results from an A to C substitution at nucleotide position 151. The asparagine at codon 51 is replaced by histidine, an amino acid with similar properties. This amino acid position is conserved. In addition, the in silico prediction for this alteration is inconclusive. Since supporting evidence is limited at this time, the clinical significance of this alteration remains unclear.

NM_001370259.2(MEN1):c.151A>C (p.Asn51His)

Gene: MEN1 (menin 1; minus strand). Cytogenetic location: 11q13.1.
Variant type: single nucleotide variant.
Coding change: c.151A>C on transcript NM_001370259.2 (MANE Select); coding-DNA position 151, A replaced by C.
Protein change: p.Asn51His; replaces asparagine 51 with histidine.
Molecular consequence: missense variant. On other transcripts: non-coding transcript variant (4).
Genome position (GRCh38, 1-based): chr11:64,809,959, T>G on the plus strand (A>C on the coding strand, the complement: MEN1 is on the minus strand). VCF-style: chr11-64809959-T-G. GRCh37 (hg19) VCF-style: chr11-64577431-T-G.
Other names: c.151A>C, p.Asn51His (NM_000244.4, NM_001370251.2, NM_001370260.2 and 20 more transcripts); short protein forms N51H.
Identifiers: ClinVar variation 3229066 (VCV003229066.2), dbSNP rs902475323, ClinGen allele CA223917175.
Genomic context (GRCh38, chr11:64,809,959, plus strand): 5'-GGTCGGGGGCGGGGCTGGGCTGGAAGGTGAGCTCGGGAACGTTGGTAGGGATGACGCGGT[T>G]GACAGCCAGAAAATGCTCCACGAAGCCCAGCACCAAGGAAAGGAGCACCAGGTCCGGCTC-3'
Protein context (NP_001357188.2, residues 41-61): LGFVEHFLAV[Asn51His]RVIPTNVPEL